The following is an entry in ClinVar:

ClinVar aggregate classification (germline): Pathogenic (1 of 4 stars; one submission).

Conditions:
Erythrocytosis, familial, 3 (ECYT3). Identifiers: Orphanet 247511, MedGen C1853286, MONDO:0012353, OMIM 609820.

Submission:

Labcorp Genetics (formerly Invitae), Labcorp
Classification: Pathogenic for Erythrocytosis, familial, 3. Last evaluated: 2025-12-10. Review status: criteria provided, single submitter. Criteria: Invitae Variant Classification Sherloc (09022015). Collection method: clinical testing. Allele origin: germline.
Comment: This sequence change creates a premature translational stop signal (p.Tyr380Metfs*7) in the EGLN1 gene. It is expected to result in an absent or disrupted protein product. Loss-of-function variants in EGLN1 are known to be pathogenic (PMID: 17933562, 21933857). This variant is not present in population databases (gnomAD no frequency). This variant has not been reported in the literature in individuals affected with EGLN1-related conditions. For these reasons, this variant has been classified as Pathogenic.

Literature cited by the submitters: PubMed 17933562; PubMed 21933857.

NM_022051.3(EGLN1):c.1137del (p.Tyr380fs)

Gene: EGLN1 (egl-9 family hypoxia inducible factor 1; minus strand). Cytogenetic location: 1q42.2.
Variant type: Deletion.
Coding change: c.1137del on transcript NM_022051.3 (MANE Select); coding-DNA position 1137, one base deleted (A; older notation c.1137delA).
Protein change: p.Tyr380fs; shifts the reading frame from tyrosine 380.
Molecular consequence: frameshift variant. On other transcripts: intron variant (1).
Genome position (GRCh38, 1-based): chr1:231,370,573, T deleted on the plus strand (A on the coding strand, the reverse complement: EGLN1 is on the minus strand). VCF-style (leftmost placement, unchanged base first): chr1-231370572-AT-A. GRCh37 (hg19) VCF-style: chr1-231506318-AT-A.
Other names: c.1137del, p.Tyr380fs (NM_001377260.1); c.1012-2937del (NM_001377261.1); short protein forms Y380fs.
Identifiers: ClinVar variation 4732941 (VCV004732941.1).
Genomic context (GRCh38, chr1:231,370,572, plus strand): 5'-CTCCTGTCCTACCATACTCTAAACCAATTTTTTCTGAAAAGGAATACTACCTTGTAGCAT[AT>A]GCTGGTTGTACTTCATGAGGGTTGCGACGGTCAGACCAGAAAAACAGCAGTCTATCAAAT-3'